The following is an entry in ClinVar:

NM_005883.3(APC2):c.614C>G (p.Ser205Trp)

Genes: APC2 (APC regulator of Wnt signaling pathway 2; plus strand), LOC130062954 (ATAC-STARR-seq lymphoblastoid silent region 9716; plus strand). Cytogenetic location: 19p13.3.
Variant type: single nucleotide variant.
Coding change: c.614C>G on transcript NM_005883.3 (MANE Select); coding-DNA position 614, C replaced by G.
Protein change: p.Ser205Trp; replaces serine 205 with tryptophan.
Molecular consequence: missense variant.
Genome position (GRCh38, 1-based): chr19:1,455,475, C>G. VCF-style: chr19-1455475-C-G. GRCh37 (hg19) VCF-style: chr19-1455474-C-G.
Other names: c.611C>G, p.Ser204Trp (NM_001351273.1); c.614C>G (NM_005883.2); short protein forms S204W, S205W.
Identifiers: ClinVar variation 2106512 (VCV002106512.4), dbSNP rs924312521, ClinGen allele CA304063643.

ClinVar aggregate classification (germline): Uncertain significance. Review status: criteria provided, multiple submitters, no conflicts (2 of 4 stars). 2 submissions from 2 submitters: Uncertain significance (2). Last evaluated 2025-10-29.

Conditions:
Inborn genetic diseases. Identifiers: MedGen C0950123, MeSH D030342.

gnomAD v4.1: 8 of 1,603,360 alleles (0.0005%); highest among the groups gnomAD compares: South Asian, 0.0011%; no homozygotes.

Submissions (2):

Ambry Genetics
Classification: Uncertain significance for Inborn genetic diseases. Last evaluated: 2025-10-29. Review status: criteria provided, single submitter. Criteria: Ambry Variant Classification Scheme 2023. Collection method: clinical testing. Allele origin: germline.

Labcorp Genetics (formerly Invitae), Labcorp
Classification: Uncertain significance. Last evaluated: 2024-10-05. Review status: criteria provided, single submitter. Criteria: Invitae Variant Classification Sherloc (09022015). Collection method: clinical testing. Allele origin: germline.
Comment: This sequence change replaces serine, which is neutral and polar, with tryptophan, which is neutral and slightly polar, at codon 205 of the APC2 protein (p.Ser205Trp). The frequency data for this variant in the population databases is considered unreliable, as metrics indicate poor data quality at this position in the gnomAD database. This variant has not been reported in the literature in individuals affected with APC2-related conditions. ClinVar contains an entry for this variant (Variation ID: 2106512). An algorithm developed to predict the effect of missense changes on protein structure and function (PolyPhen-2) suggests that this variant is likely to be disruptive. In summary, the available evidence is currently insufficient to determine the role of this variant in disease. Therefore, it has been classified as a Variant of Uncertain Significance.